The following is an entry in ClinVar:

ClinVar aggregate classification (germline): Uncertain significance (1 of 4 stars; one submission).

Conditions:
Inborn genetic diseases. Identifiers: MedGen C0950123, MeSH D030342.

Submission:

Ambry Genetics
Classification: Uncertain significance for Inborn genetic diseases. Last evaluated: 2026-06-21. Review status: criteria provided, single submitter. Criteria: Ambry Variant Classification Scheme 2023. Collection method: clinical testing. Allele origin: germline.
Comment: The p.G143V variant (also known as c.428G>T), located in coding exon 2 of the GATA2 gene, results from a G to T substitution at nucleotide position 428. The glycine at codon 143 is replaced by valine, an amino acid with dissimilar properties. This amino acid position is conserved. In addition, this alteration is predicted to be deleterious by in silico analysis. Based on the available evidence, the clinical significance of this variant remains unclear.

NM_032638.5(GATA2):c.428G>T (p.Gly143Val)

Gene: GATA2 (GATA binding protein 2; minus strand). Cytogenetic location: 3q21.3.
Variant type: single nucleotide variant.
Coding change: c.428G>T on transcript NM_032638.5 (MANE Select); coding-DNA position 428, G replaced by T.
Protein change: p.Gly143Val; replaces glycine 143 with valine.
Molecular consequence: missense variant.
Genome position (GRCh38, 1-based): chr3:128,486,170, C>A on the plus strand (G>T on the coding strand, the complement: GATA2 is on the minus strand). VCF-style: chr3-128486170-C-A. GRCh37 (hg19) VCF-style: chr3-128205013-C-A.
Other names: c.428G>T, p.Gly143Val (NM_001145661.2, NM_001145662.1); short protein forms G143V.
Identifiers: ClinVar variation 5022174 (VCV005022174.1).